The following is an entry in ClinVar:

ClinVar aggregate classification (germline): Uncertain significance (1 of 4 stars; one submission).

Conditions:
Emery-Dreifuss muscular dystrophy 5, autosomal dominant (EDMD5). Also called: EMERY-DREIFUSS MUSCULAR DYSTROPHY 5. Identifiers: Orphanet 261, MedGen C2751805, MONDO:0013072, OMIM 612999.

Allele frequency attached by ClinVar (database versions not stated): gnomAD exomes below 0.00001.
gnomAD v4.1: 2 of 1,614,052 alleles (0.00012%); highest among the groups gnomAD compares: Admixed American, 0.0033%; no homozygotes.

Submission:

Labcorp Genetics (formerly Invitae), Labcorp
Classification: Uncertain significance for Emery-Dreifuss muscular dystrophy 5, autosomal dominant. Last evaluated: 2023-06-11. Review status: criteria provided, single submitter. Criteria: Invitae Variant Classification Sherloc (09022015). Collection method: clinical testing. Allele origin: germline.
Comment: In summary, the available evidence is currently insufficient to determine the role of this variant in disease. Therefore, it has been classified as a Variant of Uncertain Significance. An algorithm developed to predict the effect of missense changes on protein structure and function (PolyPhen-2) suggests that this variant is likely to be disruptive. This variant has not been reported in the literature in individuals affected with SYNE2-related conditions. This variant is present in population databases (no rsID available, gnomAD 0.003%). This sequence change replaces proline, which is neutral and non-polar, with alanine, which is neutral and non-polar, at codon 6521 of the SYNE2 protein (p.Pro6521Ala).

NM_182914.3(SYNE2):c.19561C>G (p.Pro6521Ala)

Gene: SYNE2 (spectrin repeat containing nuclear envelope protein 2; plus strand). Cytogenetic location: 14q23.2.
Variant type: single nucleotide variant.
Coding change: c.19561C>G on transcript NM_182914.3 (MANE Select); coding-DNA position 19561, C replaced by G.
Protein change: p.Pro6521Ala; replaces proline 6521 with alanine.
Molecular consequence: missense variant.
Genome position (GRCh38, 1-based): chr14:64,218,416, C>G. VCF-style: chr14-64218416-C-G. GRCh37 (hg19) VCF-style: chr14-64685134-C-G.
Other names: c.19492C>G, p.Pro6498Ala (NM_015180.6); c.85C>G, p.Pro29Ala (NM_182910.2); c.463C>G, p.Pro155Ala (NM_182913.4); short protein forms P155A, P29A, P6521A, P6498A.
Identifiers: ClinVar variation 2850251 (VCV002850251.3), dbSNP rs1429811156, ClinGen allele CA389962263.